The following is an entry in ClinVar:

ClinVar aggregate classification (germline): Pathogenic/Likely pathogenic. Review status: criteria provided, multiple submitters, no conflicts (2 of 4 stars). 4 submissions from 4 submitters: Pathogenic (1); Likely pathogenic (2). 1 of the submissions does not count toward it. Last evaluated 2025-10-17.

Conditions:
Neurodevelopmental disorder with microcephaly, seizures, and cortical atrophy. Identifiers: MedGen C4540493, MONDO:0060621, OMIM 617802.

Allele frequency attached by ClinVar (database versions not stated): gnomAD 0.00001; ESP Exome Variant Server 0.00012.
gnomAD v4.1: 18 of 1,612,532 alleles (0.0011%); highest among the groups gnomAD compares: African/African-American, 0.0027%; no homozygotes.

Submissions (4):

3billion
Classification: Pathogenic for Neurodevelopmental disorder with microcephaly, seizures, and cortical atrophy. Last evaluated: 2025-10-17. Review status: criteria provided, single submitter. Criteria: ACMG Guidelines, 2015. Collection method: clinical testing. Allele origin: germline. Affected: yes.
Comment: The variant is observed at an extremely low frequency in the gnomAD v4.1.0 dataset (total allele frequency: 0.001%). Predicted Consequence/Location: The variant is located in a mutational hot spot and/or well-established functional domain in which established pathogenic variants have been reported (PMID: 37529793). Damaging effect on gene or gene product predicted by in silico programs is uncertain [REVEL: 0.56 (damaging >=0.6, benign <0.4), 3Cnet: 0.56 (damaging >0.75, benign <0.1)]. The same nucleotide change resulting in the same amino acid change has been previously reported as pathogenic/likely pathogenic with strong evidence (ClinVar ID: VCV000559839 /PMID: 30755602 /3billion dataset). The variant has been reported to be in trans with a pathogenic variant as either compound heterozygous or homozygous in at least one similarly affected unrelated individual (PMID: 30755602). Therefore, this variant is classified as Pathogenic according to the recommendation of ACMG/AMP guideline.

Broad Center for Mendelian Genomics, Broad Institute of MIT and Harvard
Classification: Likely pathogenic for Neurodevelopmental disorder with microcephaly, seizures, and cortical atrophy. Last evaluated: 2020-05-28. Review status: criteria provided, single submitter. Criteria: ACMG Guidelines, 2015. Collection method: research. Allele origin: germline. Inheritance: Autosomal recessive inheritance.
Comment: Please note that this variant may also be submitted to ClinVar by the Gleeson Lab. This variant was reported in 3 total Egyptian individuals with neurodevelopmental disorder with microcephaly, seizures, and cortical atrophy, segregated with disease in 2 affected relatives from 1 family (PMID: 30755602), and has been identified in 0.007% (1/14966) of African chromosomes, 0.005% (1/18238) of East Asian chromosomes, and 0.005% (1/21226) of European (Finnish) chromosomes by the Genome Aggregation Database (gnomAD; dbSNP rs149378938). Although this variant has been seen in the general population, its frequency is low enough to be consistent with a recessive carrier frequency. This variant has also been reported in ClinVar (Variation ID: 559839). Computational prediction tools and conservation analyses do not provide strong support for or against an impact to the protein. The presence of this variant in affected homozygotes increases the likelihood that the p.Arg1119Cys variant is pathogenic (PMID: 30755602). Multiple variants with the same function as p.Arg1119Cys variant have been reported in association with disease in the literature and the variant is located in a region of VARS1 that is essential to protein function, suggesting that this variant is in a functional domain and supports pathogenicity (PMID: 30755602). In summary, although additional studies are required to fully establish its clinical significance, this variant is likely pathogenic. ACMG/AMP Criteria applied: PM2, PM1, PM3 (Richards 2015).

Gleeson Lab, University of California San Diego - Department of Neuroscience
Classification: Likely pathogenic for Neurodevelopmental disorder with microcephaly, seizures, and cortical atrophy. Last evaluated: 2018-01-01. Review status: criteria provided, single submitter. Criteria: ACMG Guidelines, 2015. Collection method: research. Allele origin: inherited. Affected: yes. Observed: 2 homozygotes. Segregation with disease observed.

OMIM
Classification: Pathogenic for NEURODEVELOPMENTAL DISORDER WITH MICROCEPHALY, SEIZURES, AND CORTICAL ATROPHY. Last evaluated: 2019-08-20. Review status: no assertion criteria provided. Collection method: literature only. Allele origin: germline. Not counted in ClinVar's aggregate classification.

Literature cited by the submitters: PubMed 30755602 (cited by 3 submitters).

NM_006295.3(VARS1):c.3355C>T (p.Arg1119Cys)

Gene: VARS1 (valyl-tRNA synthetase 1; minus strand). Cytogenetic location: 6p21.33.
Variant type: single nucleotide variant.
Coding change: c.3355C>T on transcript NM_006295.3 (MANE Select); coding-DNA position 3355, C replaced by T.
Protein change: p.Arg1119Cys; replaces arginine 1119 with cysteine.
Molecular consequence: missense variant.
Genome position (GRCh38, 1-based): chr6:31,779,470, G>A on the plus strand (C>T on the coding strand, the complement: VARS1 is on the minus strand). VCF-style: chr6-31779470-G-A. GRCh37 (hg19) VCF-style: chr6-31747247-G-A.
Other names: short protein forms R1119C.
Identifiers: ClinVar variation 559839 (VCV000559839.7), dbSNP rs149378938, ClinGen allele CA3722698.